The following is an entry in ClinVar:

NM_025099.6(CTC1):c.2305T>C (p.Trp769Arg)

Gene: CTC1 (CST telomere replication complex component 1; minus strand). Cytogenetic location: 17p13.1.
Variant type: single nucleotide variant.
Coding change: c.2305T>C on transcript NM_025099.6 (MANE Select); coding-DNA position 2305, T replaced by C.
Protein change: p.Trp769Arg; replaces tryptophan 769 with arginine.
Molecular consequence: missense variant. On other transcripts: non-coding transcript variant (1).
Genome position (GRCh38, 1-based): chr17:8,231,983, A>G on the plus strand (T>C on the coding strand, the complement: CTC1 is on the minus strand). VCF-style: chr17-8231983-A-G. GRCh37 (hg19) VCF-style: chr17-8135301-A-G.
Other names: c.2305T>C, p.Trp769Arg (NM_001411067.1); short protein forms W769R.
Identifiers: ClinVar variation 1992476 (VCV001992476.4), dbSNP rs1597378253, ClinGen allele CA397977602.

ClinVar aggregate classification (germline): Uncertain significance (1 of 4 stars; one submission).

Conditions:
Dyskeratosis congenita. Identifiers: Orphanet 1775, MedGen C0265965, MONDO:0015780.

Submission:

Labcorp Genetics (formerly Invitae), Labcorp
Classification: Uncertain significance for Dyskeratosis congenita. Last evaluated: 2022-05-09. Review status: criteria provided, single submitter. Criteria: Invitae Variant Classification Sherloc (09022015). Collection method: clinical testing. Allele origin: germline.
Comment: This variant is not present in population databases (gnomAD no frequency). This sequence change replaces tryptophan, which is neutral and slightly polar, with arginine, which is basic and polar, at codon 769 of the CTC1 protein (p.Trp769Arg). This variant has not been reported in the literature in individuals affected with CTC1-related conditions. In summary, the available evidence is currently insufficient to determine the role of this variant in disease. Therefore, it has been classified as a Variant of Uncertain Significance. Algorithms developed to predict the effect of sequence changes on RNA splicing suggest that this variant may disrupt the consensus splice site. Algorithms developed to predict the effect of missense changes on protein structure and function are either unavailable or do not agree on the potential impact of this missense change (SIFT: "Tolerated"; PolyPhen-2: "Probably Damaging"; Align-GVGD: "Class C0").